The following is an entry in ClinVar:

NM_002439.5(MSH3):c.739del (p.Val247fs)

Gene: MSH3 (mutS homolog 3; plus strand). Cytogenetic location: 5q14.1.
Variant type: Deletion.
Coding change: c.739del on transcript NM_002439.5 (MANE Select); coding-DNA position 739, one base deleted (G; older notation c.739delG).
Protein change: p.Val247fs; shifts the reading frame from valine 247.
Molecular consequence: frameshift variant.
Genome position (GRCh38, 1-based): chr5:80,670,256, G deleted. VCF-style (leftmost placement, unchanged base first): chr5-80670255-AG-A. GRCh37 (hg19) VCF-style: chr5-79966074-AG-A.
Other names: short protein forms V247fs.
Identifiers: ClinVar variation 1758701 (VCV001758701.2), dbSNP rs2546721199, ClinGen allele CA2580073504.
Genomic context (GRCh38, chr5:80,670,255, plus strand): 5'-AAGCATCTATACGCCGCTAGAATTACAATACATAGAAATGAAGCAGCAGCACAAAGATGC[AG>A]TTTTGTGTGTGGAATGTGGATATAAGTATAGATTCTTTGGGGAAGATGCAGAGGTAAGTC-3'

ClinVar aggregate classification (germline): Pathogenic (1 of 4 stars; one submission).

Conditions:
Hereditary cancer-predisposing syndrome. Also called: Neoplastic Syndromes, Hereditary; Tumor predisposition; Hereditary Cancer Syndrome; Hereditary neoplastic syndrome. Identifiers: Orphanet 140162, MedGen C0027672, MeSH D009386, MONDO:0015356.

Submission:

Ambry Genetics
Classification: Pathogenic for Hereditary cancer-predisposing syndrome. Last evaluated: 2022-09-28. Review status: criteria provided, single submitter. Criteria: Ambry Variant Classification Scheme 2023. Collection method: clinical testing. Allele origin: germline.
Comment: The c.739delG pathogenic mutation, located in coding exon 4 of the MSH3 gene, results from a deletion of one nucleotide at nucleotide position 739, causing a translational frameshift with a predicted alternate stop codon (p.V247Ffs*30). This variant is considered to be rare based on population cohorts in the Genome Aggregation Database (gnomAD). This alteration is expected to result in loss of function by premature protein truncation or nonsense-mediated mRNA decay. As such, this alteration is interpreted as a disease-causing mutation.